The following is an entry in ClinVar:

NM_001006630.2(CHRM2):c.1030G>A (p.Val344Met)

Genes: CHRM2 (cholinergic receptor muscarinic 2; plus strand), LOC349160 (uncharacterized LOC349160; minus strand). Cytogenetic location: 7q33.
Variant type: single nucleotide variant.
Coding change: c.1030G>A on transcript NM_001006630.2 (MANE Select); coding-DNA position 1030, G replaced by A.
Protein change: p.Val344Met; replaces valine 344 with methionine.
Molecular consequence: missense variant.
Genome position (GRCh38, 1-based): chr7:137,015,895, G>A. VCF-style: chr7-137015895-G-A. GRCh37 (hg19) VCF-style: chr7-136700642-G-A.
Other names: c.1030G>A, p.Val344Met (NM_000739.3, NM_001006626.3, NM_001006627.3 and 6 more transcripts); short protein forms V344M.
Identifiers: ClinVar variation 478111 (VCV000478111.12), dbSNP rs201165506, ClinGen allele CA4500607.

ClinVar aggregate classification (germline): Uncertain significance. Review status: criteria provided, multiple submitters, no conflicts (2 of 4 stars). 2 submissions from 2 submitters: Uncertain significance (2). Last evaluated 2025-10-08.

Allele frequency attached by ClinVar (database versions not stated): gnomAD 0.00001; ExAC 0.00002; gnomAD exomes 0.00002 and 0.00004; TOPMed 0.00002.

Submissions (2):

Labcorp Genetics (formerly Invitae), Labcorp
Classification: Uncertain significance. Last evaluated: 2025-10-08. Review status: criteria provided, single submitter. Criteria: Invitae Variant Classification Sherloc (09022015). Collection method: clinical testing. Allele origin: germline.
Comment: This sequence change replaces valine, which is neutral and non-polar, with methionine, which is neutral and non-polar, at codon 344 of the CHRM2 protein (p.Val344Met). This variant is present in population databases (rs201165506, gnomAD 0.006%). This variant has not been reported in the literature in individuals affected with CHRM2-related conditions. ClinVar contains an entry for this variant (Variation ID: 478111). An algorithm developed to predict the effect of missense changes on protein structure and function (PolyPhen-2) suggests that this variant is likely to be tolerated. In summary, the available evidence is currently insufficient to determine the role of this variant in disease. Therefore, it has been classified as a Variant of Uncertain Significance.

Ambry Genetics
Classification: Uncertain significance. Last evaluated: 2025-01-22. Review status: criteria provided, single submitter. Criteria: Ambry Variant Classification Scheme 2023. Collection method: clinical testing. Allele origin: germline.